The following is an entry in ClinVar:

NM_000038.6(APC):c.1020C>T (p.Ser340=)

Gene: APC (APC regulator of Wnt signaling pathway; plus strand). Cytogenetic location: 5q22.2.
Variant type: single nucleotide variant.
Coding change: c.1020C>T on transcript NM_000038.6 (MANE Select); coding-DNA position 1020, C replaced by T.
Protein change: p.Ser340=; no amino-acid change (serine 340 retained).
Molecular consequence: synonymous variant. On other transcripts: intron variant (4).
Genome position (GRCh38, 1-based): chr5:112,819,052, C>T. VCF-style: chr5-112819052-C-T. GRCh37 (hg19) VCF-style: chr5-112154749-C-T.
Other names: c.1020C>T, p.Ser340= (NM_001127510.3, NM_001354895.2, NM_001354896.2); c.966C>T, p.Ser322= (NM_001127511.3); c.1050C>T, p.Ser350= (NM_001354897.2); c.945C>T, p.Ser315= (NM_001354898.2); c.936C>T, p.Ser312= (NM_001354899.2); c.843C>T, p.Ser281= (NM_001354900.2, NM_001354901.2); c.171C>T, p.Ser57= (NM_001354906.2); c.964-217C>T (NM_001354902.2); and 3 more.
Identifiers: ClinVar variation 742681 (VCV000742681.14), dbSNP rs1580528337, ClinGen allele CA445755793.

ClinVar aggregate classification (germline): Benign/Likely benign. Review status: criteria provided, multiple submitters, no conflicts (2 of 4 stars). 4 submissions from 4 submitters: Benign (1); Likely benign (3). Last evaluated 2025-10-28.

Conditions:
Classic or attenuated familial adenomatous polyposis. Identifiers: MedGen CN372698, MONDO:0021057.
Hereditary cancer-predisposing syndrome. Also called: Neoplastic Syndromes, Hereditary; Hereditary Cancer Syndrome; Tumor predisposition; Hereditary neoplastic syndrome. Identifiers: Orphanet 140162, MedGen C0027672, MeSH D009386, MONDO:0015356.
Familial adenomatous polyposis 1 (FAP1). Also called: FAMILIAL ADENOMATOUS POLYPOSIS 1, ATTENUATED; POLYPOSIS, ADENOMATOUS INTESTINAL. Identifiers: MedGen C2713442, MONDO:0021056, OMIM 175100. Disease mechanism: loss of function.

Submissions (4):

Labcorp Genetics (formerly Invitae), Labcorp
Classification: Likely benign for Familial adenomatous polyposis 1. Last evaluated: 2025-10-28. Review status: criteria provided, single submitter. Criteria: Invitae Variant Classification Sherloc (09022015). Collection method: clinical testing. Allele origin: germline.

All of Us Research Program, National Institutes of Health
Classification: Likely benign for Classic or attenuated familial adenomatous polyposis. Last evaluated: 2024-05-14. Review status: criteria provided, single submitter. Criteria: ACMG Guidelines, 2015. Collection method: clinical testing. Allele origin: germline. Inheritance: Autosomal dominant inheritance. Observed: 1 variant allele, 1 heterozygote.
Comment: This study involves interpretation of variants in research participants for the purpose of population health screening. Participant phenotype was not available at the time of variant classification. Additional details can be found in publication PMID: 35346344, PMCID: PMC8962531

Ambry Genetics
Classification: Likely benign for Hereditary cancer-predisposing syndrome. Last evaluated: 2024-03-20. Review status: criteria provided, single submitter. Criteria: Ambry Variant Classification Scheme 2023. Collection method: clinical testing. Allele origin: germline.

Myriad Genetics, Inc.
Classification: Benign for Familial adenomatous polyposis 1. Last evaluated: 2024-02-29. Review status: criteria provided, single submitter. Criteria: Myriad Autosomal Dominant, Autosomal Recessive and X-Linked Classification Criteria (2023). Collection method: clinical testing. Allele origin: unknown.
Comment: This variant is considered benign. This variant is a silent/synonymous amino acid change and it is not expected to impact splicing.